The following is an entry in ClinVar:

NM_198859.4(PRICKLE2):c.*2772A>G

Genes: PRICKLE2 (prickle planar cell polarity protein 2; minus strand), PRICKLE2-AS1 (PRICKLE2 antisense RNA 1; plus strand). Cytogenetic location: 3p14.1.
Variant type: single nucleotide variant.
Coding change: c.*2772A>G on transcript NM_198859.4 (MANE Select); 2772 bases downstream of the stop codon, A replaced by G.
Molecular consequence: 3 prime UTR variant.
Genome position (GRCh38, 1-based): chr3:64,096,279, T>C on the plus strand (A>G on the coding strand, the complement: PRICKLE2 is on the minus strand). VCF-style: chr3-64096279-T-C. GRCh37 (hg19) VCF-style: chr3-64081955-T-C.
Other names: c.*2772A>G (NM_001370528.1).
Identifiers: ClinVar variation 346438 (VCV000346438.6), dbSNP rs27383, ClinGen allele CA10616549.

ClinVar aggregate classification (germline): Benign. Review status: criteria provided, multiple submitters, no conflicts (2 of 4 stars). 2 submissions from 2 submitters: Benign (2). Last evaluated 2018-01-12.

Conditions:
Progressive myoclonic epilepsy. Also called: Progressive myoclonus epilepsy; Familial progressive myoclonic epilepsy; Myoclonus epilepsy; Myoclonic Epilepsies, Progressive. Identifiers: Orphanet 308, Orphanet 98261, MedGen C0751778, MONDO:0020074.

Allele frequency attached by ClinVar (database versions not stated): 1000 Genomes Project 30x 0.90740; 1000 Genomes Project 0.91194; TOPMed 0.91908; gnomAD 0.92477 and 0.92906; gnomAD exomes 1.00000.
gnomAD v4.1: 141,529 of 152,240 alleles (93%); highest among the groups gnomAD compares: Non-Finnish European, 100%; 66,537 homozygotes.

Submissions (2):

Illumina Laboratory Services, Illumina
Classification: Benign for Progressive myoclonic epilepsy. Last evaluated: 2018-01-12. Review status: criteria provided, single submitter. Criteria: ICSL Variant Classification Criteria 13 December 2019. Collection method: clinical testing. Allele origin: germline.
Comment: This variant was observed in the ICSL laboratory as part of a predisposition screen in an ostensibly healthy population. It had not been previously curated by ICSL or reported in the Human Gene Mutation Database (HGMD: prior to June 1st, 2018), and was therefore a candidate for classification through an automated scoring system. Utilizing variant allele frequency, disease prevalence and penetrance estimates, and inheritance mode, an automated score was calculated to assess if this variant is too frequent to cause the disease. Based on the score and internal cut-off values, a variant classified as benign is not then subjected to further curation. The score for this variant resulted in a classification of benign for this disease.

Breakthrough Genomics
Classification: Benign. Review status: criteria provided, single submitter. Criteria: ACMG Guidelines, 2015. Collection method: not provided. Allele origin: germline. Inheritance: Unknown mechanism. Affected: yes.